The following is an entry in ClinVar:

ClinVar aggregate classification (germline): Uncertain significance. Review status: criteria provided, multiple submitters, no conflicts (2 of 4 stars). 2 submissions from 2 submitters: Uncertain significance (2). Last evaluated 2023-12-01.

Conditions:
Amyotrophic lateral sclerosis type 6. Also called: Amyotrophic lateral sclerosis 6, with or without frontotemporal dementia; FUS-Related Amyotrophic Laterial Sclerosis; AMYOTROPHIC LATERAL SCLEROSIS 6 WITHOUT FRONTOTEMPORAL DEMENTIA. Identifiers: Orphanet 275872, Orphanet 803, MedGen C2931786, MONDO:0011951, OMIM 608030.
Tremor, hereditary essential, 4 (ETM4). Identifiers: MedGen C3539195, MONDO:0013888, OMIM 614782.

Allele frequency attached by ClinVar (database versions not stated): gnomAD exomes 0.00001 and 0.00002; ExAC 0.00002.
gnomAD v4.1: 14 of 1,610,976 alleles (0.00087%); highest among the groups gnomAD compares: Admixed American, 0.0067%; 1 homozygote.

Submissions (2):

CeGaT Center for Human Genetics Tuebingen
Classification: Uncertain significance. Last evaluated: 2023-12-01. Review status: criteria provided, single submitter. Criteria: CeGaT Center For Human Genetics Tuebingen Variant Classification Criteria Version 2. Collection method: clinical testing. Allele origin: germline. Affected: yes. Observed: 1 variant allele.

Labcorp Genetics (formerly Invitae), Labcorp
Classification: Uncertain significance for Tremor, hereditary essential, 4; Amyotrophic lateral sclerosis type 6. Last evaluated: 2023-06-20. Review status: criteria provided, single submitter. Criteria: Invitae Variant Classification Sherloc (09022015). Collection method: clinical testing. Allele origin: germline.
Comment: In summary, the available evidence is currently insufficient to determine the role of this variant in disease. Therefore, it has been classified as a Variant of Uncertain Significance. Experimental studies and prediction algorithms are not available or were not evaluated, and the functional significance of this variant is currently unknown. This sequence change replaces tyrosine, which is neutral and polar, with cysteine, which is neutral and slightly polar, at codon 239 of the FUS protein (p.Tyr239Cys). This variant is present in population databases (rs145013063, gnomAD 0.009%). This variant has not been reported in the literature in individuals affected with FUS-related conditions. ClinVar contains an entry for this variant (Variation ID: 1518792).

NM_004960.4(FUS):c.716A>G (p.Tyr239Cys)

Gene: FUS (FUS DNA/RNA binding protein; plus strand). Cytogenetic location: 16p11.2.
Variant type: single nucleotide variant.
Coding change: c.716A>G on transcript NM_004960.4 (MANE Select); coding-DNA position 716, A replaced by G.
Protein change: p.Tyr239Cys; replaces tyrosine 239 with cysteine.
Molecular consequence: missense variant. On other transcripts: non-coding transcript variant (1).
Genome position (GRCh38, 1-based): chr16:31,185,131, A>G. VCF-style: chr16-31185131-A-G. GRCh37 (hg19) VCF-style: chr16-31196452-A-G.
Other names: c.713A>G, p.Tyr238Cys (NM_001170634.1); c.704A>G, p.Tyr235Cys (NM_001170937.1); short protein forms Y235C, Y239C, Y238C.
Identifiers: ClinVar variation 1518792 (VCV001518792.30), dbSNP rs145013063, ClinGen allele CA8023774.